The following is an entry in ClinVar:

ClinVar aggregate classification (germline): Pathogenic. Review status: criteria provided, multiple submitters, no conflicts (2 of 4 stars). 3 submissions from 3 submitters: Pathogenic (3). Last evaluated 2024-03-21.

Allele frequency attached by ClinVar (database versions not stated): gnomAD exomes below 0.00001.
gnomAD v4.1: 1 of 1,557,016 alleles (0.000064%); highest among the groups gnomAD compares: Non-Finnish European, 0.000087%; no homozygotes.

Submissions (4):

GeneDx
Classification: Pathogenic. Last evaluated: 2024-03-21. Review status: criteria provided, single submitter. Criteria: GeneDx Variant Classification Process June 2021. Collection method: clinical testing. Allele origin: germline. Affected: yes.
Comment: Nonsense variant predicted to result in protein truncation or nonsense mediated decay in a gene for which loss of function is a known mechanism of disease; Not observed at significant frequency in large population cohorts (gnomAD); This variant is associated with the following publications: (PMID: 25781356)

Genetic Services Laboratory, University of Chicago
Classification: Pathogenic. Last evaluated: 2023-04-11. Review status: criteria provided, single submitter. Criteria: ACMG Guidelines, 2015. Collection method: clinical testing. Allele origin: germline. Affected: yes.
Comment: DNA sequence analysis of the RAI1 gene demonstrated a sequence change, c.3265C>T, which results in the creation of a premature stop codon at amino acid position 1089, p.Arg1089*. This sequence change is predicted to result in an abnormal transcript, which may be degraded, or may lead to the production of a truncated RAI1 protein with potentially abnormal function. This sequence change has not been described in population databases such as ExAC and gnomAD. This sequence change has previously been described in an individual with early-onset morbid obesity, developmental delay, hypoventilation, temperature instability and sleep disturbances, in a de novo state (PMID: 25781356). Loss-of-function variants in RAI1 have been reported to be pathogenic (PMID: 21857958, 24715852). These collective evidences indicate that this sequence change is pathogenic.

Labcorp Genetics (formerly Invitae), Labcorp
Classification: Pathogenic. Last evaluated: 2021-01-08. Review status: criteria provided, single submitter. Criteria: Invitae Variant Classification Sherloc (09022015). Collection method: clinical testing. Allele origin: germline.
Comment: Algorithms developed to predict the effect of sequence changes on RNA splicing suggest that this variant may create or strengthen a splice site, but this prediction has not been confirmed by published transcriptional studies. For these reasons, this variant has been classified as Pathogenic. This variant has been observed in individual(s) with clinical features of Smith-Magenis syndrome (PMID: 25781356). In at least one individual the variant was observed to be de novo. This sequence change creates a premature translational stop signal (p.Arg1089*) in the RAI1 gene. It is expected to result in an absent or disrupted protein product. Loss-of-function variants in RAI1 are known to be pathogenic (PMID: 21857958, 24715852). This variant is not present in population databases (ExAC no frequency).

Dr. Peter K. Rogan Lab, Western University
No classification provided (evidence only). Condition: Thyroid cancer, nonmedullary, 1. Review status: no classification provided. Collection method: in vitro. Allele origin: not applicable. Functional consequence: skipped exon. Not counted in ClinVar's aggregate classification.

Literature cited by the submitters: PubMed 25781356 (cited by Labcorp Genetics (formerly Invitae), Labcorp); PubMed 21857958 (cited by Labcorp Genetics (formerly Invitae), Labcorp); PubMed 24715852 (cited by Labcorp Genetics (formerly Invitae), Labcorp).

NM_030665.4(RAI1):c.3265C>T (p.Arg1089Ter)

Gene: RAI1 (retinoic acid induced 1; plus strand). Cytogenetic location: 17p11.2.
Variant type: single nucleotide variant.
Coding change: c.3265C>T on transcript NM_030665.4 (MANE Select); coding-DNA position 3265, C replaced by T.
Protein change: p.Arg1089Ter; replaces arginine 1089 with a stop codon.
Molecular consequence: nonsense.
Genome position (GRCh38, 1-based): chr17:17,796,213, C>T. VCF-style: chr17-17796213-C-T. GRCh37 (hg19) VCF-style: chr17-17699527-C-T.
Other names: c.3265C>T (NM_030665.3); short protein forms R1089*.
Identifiers: ClinVar variation 1459297 (VCV001459297.11), dbSNP rs757309140, ClinGen allele CA398553228.